The following is an entry in ClinVar:

ClinVar aggregate classification (germline): Uncertain significance (1 of 4 stars; one submission).

Conditions:
Charcot-Marie-Tooth disease type 4A. Also called: Charcot-Marie-Tooth disease, demyelinating, autosomal recessive, type 4a. Identifiers: Orphanet 99948, MedGen C1859198, MONDO:0008961, OMIM 214400.

Submission:

Labcorp Genetics (formerly Invitae), Labcorp
Classification: Uncertain significance for Charcot-Marie-Tooth disease type 4A. Last evaluated: 2019-12-24. Review status: criteria provided, single submitter. Criteria: Invitae Variant Classification Sherloc (09022015). Collection method: clinical testing. Allele origin: germline.
Comment: This sequence change replaces phenylalanine with leucine at codon 309 of the GDAP1 protein (p.Phe309Leu). The phenylalanine residue is highly conserved and there is a small physicochemical difference between phenylalanine and leucine. This variant is not present in population databases (ExAC no frequency). This variant has not been reported in the literature in individuals with GDAP1-related conditions. Algorithms developed to predict the effect of missense changes on protein structure and function output the following: SIFT: "Deleterious"; PolyPhen-2: "Probably Damaging"; Align-GVGD: "Class C0". The leucine amino acid residue is found in multiple mammalian species, suggesting that this missense change does not adversely affect protein function. These predictions have not been confirmed by published functional studies and their clinical significance is uncertain. In summary, the available evidence is currently insufficient to determine the role of this variant in disease. Therefore, it has been classified as a Variant of Uncertain Significance.

NM_018972.4(GDAP1):c.927C>G (p.Phe309Leu)

Gene: GDAP1 (ganglioside induced differentiation associated protein 1; plus strand). Cytogenetic location: 8q21.11.
Variant type: single nucleotide variant.
Coding change: c.927C>G on transcript NM_018972.4 (MANE Select); coding-DNA position 927, C replaced by G.
Protein change: p.Phe309Leu; replaces phenylalanine 309 with leucine.
Molecular consequence: missense variant. On other transcripts: intron variant (1).
Genome position (GRCh38, 1-based): chr8:74,364,217, C>G. VCF-style: chr8-74364217-C-G. GRCh37 (hg19) VCF-style: chr8-75276452-C-G.
Other names: c.723C>G, p.Phe241Leu (NM_001040875.4); c.600C>G, p.Phe200Leu (NM_001362929.2, NM_001362932.2); c.753C>G, p.Phe251Leu (NM_001362930.2); c.694+1164C>G (NM_001362931.2); short protein forms F251L, F200L, F241L, F309L.
Identifiers: ClinVar variation 842632 (VCV000842632.10), dbSNP rs1809513515, ClinGen allele CA371550559.